The following is an entry in ClinVar:

ClinVar aggregate classification (germline): Pathogenic (1 of 4 stars; one submission).

Conditions:
Tuberous sclerosis 2 (TSC2). Identifiers: Orphanet 805, MedGen C1860707, MONDO:0013199, OMIM 613254.

Submission:

Labcorp Genetics (formerly Invitae), Labcorp
Classification: Pathogenic for Tuberous sclerosis 2. Last evaluated: 2024-05-15. Review status: criteria provided, single submitter. Criteria: Invitae Variant Classification Sherloc (09022015). Collection method: clinical testing. Allele origin: germline.
Comment: This sequence change creates a premature translational stop signal (p.Val1475*) in the TSC2 gene. It is expected to result in an absent or disrupted protein product. Loss-of-function variants in TSC2 are known to be pathogenic (PMID: 10205261, 17304050). This variant is not present in population databases (gnomAD no frequency). This variant has not been reported in the literature in individuals affected with TSC2-related conditions. For these reasons, this variant has been classified as Pathogenic.

Literature cited by the submitters: PubMed 10205261; PubMed 17304050.

NM_000548.5(TSC2):c.4422del (p.Arg1474_Val1475insTer)

Gene: TSC2 (TSC complex subunit 2; plus strand). Cytogenetic location: 16p13.3.
Variant type: Deletion.
Coding change: c.4422del on transcript NM_000548.5 (MANE Select); coding-DNA position 4422, one base deleted (A; older notation c.4422delA).
Protein change: p.Arg1474_Val1475insTer.
Molecular consequence: frameshift variant. On other transcripts: non-coding transcript variant (5).
Genome position (GRCh38, 1-based): chr16:2,084,644, A deleted. VCF-style (leftmost placement, unchanged base first): chr16-2084643-GA-G. GRCh37 (hg19) VCF-style: chr16-2134644-GA-G.
Other names: c.4221del, p.Arg1407_Val1408insTer (NM_001077183.3); c.4353del, p.Arg1451_Val1452insTer (NM_001114382.3); c.4113del, p.Arg1371_Val1372insTer (NM_001318827.2); c.4077del, p.Arg1359_Val1360insTer (NM_001318829.2); c.3690del, p.Arg1230_Val1231insTer (NM_001318831.2); c.4254del, p.Arg1418_Val1419insTer (NM_001318832.2); c.4224del, p.Arg1408_Val1409insTer (NM_001363528.2); c.4290del, p.Arg1430_Val1431insTer (NM_001370404.1); and 26 more.
Identifiers: ClinVar variation 3653446 (VCV003653446.2).
Genomic context (GRCh38, chr16:2,084,643, plus strand): 5'-GTGGCCTCCGGCCCCGAGGTTACACCATCTCCGACTCGGCCCCATCACGCAGGGGCAAGA[GA>G]GTAGAGAGGGACGCCTTAAAGAGCAGAGCCACAGCCTCCAATGCAGAGAAAGTGCCAGGC-3'